The following is an entry in ClinVar:

ClinVar aggregate classification (germline): Uncertain significance. Review status: criteria provided, multiple submitters, no conflicts (2 of 4 stars). 2 submissions from 2 submitters: Uncertain significance (2). Last evaluated 2023-05-31.

Conditions:
Ehlers-Danlos syndrome, type 4 (EDSVASC). Also called: Ehlers-Danlos Syndrome Type IV; Ehlers-Danlos syndrome vascular type; Ehlers Danlos syndrome, ecchymotic type; Ehlers Danlos syndrome, arterial type; Ehlers Danlos syndrome, Sack-Barabas type. Identifiers: Orphanet 286, MedGen C0268338, MONDO:0017314, OMIM 130050.

Submissions (2):

All of Us Research Program, National Institutes of Health
Classification: Uncertain significance for Ehlers-Danlos syndrome, type 4. Last evaluated: 2023-05-31. Review status: criteria provided, single submitter. Criteria: ACMG Guidelines, 2015. Collection method: clinical testing. Allele origin: germline. Inheritance: Autosomal dominant inheritance. Observed: 1 variant allele, 1 heterozygote.
Comment: This study involves interpretation of variants in research participants for the purpose of population health screening. Participant phenotype was not available at the time of variant classification. Additional details can be found in publication PMID: 35346344, PMCID: PMC8962531

Labcorp Genetics (formerly Invitae), Labcorp
Classification: Uncertain significance for Ehlers-Danlos syndrome, type 4. Last evaluated: 2019-02-18. Review status: criteria provided, single submitter. Criteria: Invitae Variant Classification Sherloc (09022015). Collection method: clinical testing. Allele origin: germline.
Comment: This variant is not present in population databases (ExAC no frequency). This sequence change replaces proline with serine at codon 1072 of the COL3A1 protein (p.Pro1072Ser). The proline residue is moderately conserved and there is a moderate physicochemical difference between proline and serine. This variant has not been reported in the literature in individuals with COL3A1-related conditions. In summary, the available evidence is currently insufficient to determine the role of this variant in disease. Therefore, it has been classified as a Variant of Uncertain Significance. Algorithms developed to predict the effect of missense changes on protein structure and function are either unavailable or do not agree on the potential impact of this missense change (SIFT: "Deleterious"; PolyPhen-2: "Probably Damaging"; Align-GVGD: "Class C0").

NM_000090.4(COL3A1):c.3214C>T (p.Pro1072Ser)

Gene: COL3A1 (collagen type III alpha 1 chain; plus strand). Cytogenetic location: 2q32.2.
Variant type: single nucleotide variant.
Coding change: c.3214C>T on transcript NM_000090.4 (MANE Select); coding-DNA position 3214, C replaced by T.
Protein change: p.Pro1072Ser; replaces proline 1072 with serine.
Molecular consequence: missense variant.
Genome position (GRCh38, 1-based): chr2:189,006,949, C>T. VCF-style: chr2-189006949-C-T. GRCh37 (hg19) VCF-style: chr2-189871675-C-T.
Other names: short protein forms P1072S.
Identifiers: ClinVar variation 837171 (VCV000837171.11), dbSNP rs1688598580, ClinGen allele CA349845249.